The following is an entry in ClinVar:

NM_152513.4(MEI1):c.445C>T (p.Arg149Ter)

Gene: MEI1 (meiotic double-stranded break formation protein 1; plus strand). Cytogenetic location: 22q13.2.
Variant type: single nucleotide variant.
Coding change: c.445C>T on transcript NM_152513.4 (MANE Select); coding-DNA position 445, C replaced by T.
Protein change: p.Arg149Ter; replaces arginine 149 with a stop codon.
Molecular consequence: nonsense.
Genome position (GRCh38, 1-based): chr22:41,716,062, C>T. VCF-style: chr22-41716062-C-T. GRCh37 (hg19) VCF-style: chr22-42112066-C-T.
Other names: short protein forms R149*.
Identifiers: ClinVar variation 4849214 (VCV004849214.1).
Genomic context (GRCh38, chr22:41,716,062, plus strand): 5'-ATCCTAATTGACAGAATGGAGCATATTCACTTTCTGTAGCTGTGTAACATGCCCTCCATG[C>T]GAGGCAGCCTGGCCACCCTGACCCTTCTTGGCAAGTTGGTGGATGCCATCCCTGCTCTGG-3'

ClinVar aggregate classification (germline): Likely pathogenic (1 of 4 stars; one submission).

Conditions:
Hydatidiform mole, recurrent, 3. Identifiers: MedGen C5193093, MONDO:0032746, OMIM 618431.

Submission:

MVZ Medizinische Genetik Mainz
Classification: Likely pathogenic for Hydatidiform mole, recurrent, 3. Last evaluated: 2026-03-18. Review status: criteria provided, single submitter. Criteria: UK Practice Guidelines For Variant Classification V4 01 2020. Collection method: clinical testing. Allele origin: germline. Inheritance: Autosomal recessive inheritance. Affected: yes. Observed: 1 variant allele.
Comment: ACMG Criteria: PVS1,PM2_SUP